The following is an entry in ClinVar:

NM_000535.7(PMS2):c.2106C>T (p.Ala702=)

Gene: PMS2 (PMS1 homolog 2, mismatch repair system component; minus strand). Cytogenetic location: 7p22.1.
Variant type: single nucleotide variant.
Coding change: c.2106C>T on transcript NM_000535.7 (MANE Select); coding-DNA position 2106, C replaced by T.
Protein change: p.Ala702=; no amino-acid change (alanine 702 retained).
Molecular consequence: synonymous variant. On other transcripts: non-coding transcript variant (1).
Genome position (GRCh38, 1-based): chr7:5,982,892, G>A on the plus strand (C>T on the coding strand, the complement: PMS2 is on the minus strand). VCF-style: chr7-5982892-G-A. GRCh37 (hg19) VCF-style: chr7-6022523-G-A.
Other names: c.1701C>T, p.Ala567= (NM_001322003.2, NM_001322004.2, NM_001322005.2 and 1 more transcripts); c.1950C>T, p.Ala650= (NM_001322006.2); c.1788C>T, p.Ala596= (NM_001322007.2, NM_001322008.2); c.1545C>T, p.Ala515= (NM_001322010.2); c.1173C>T, p.Ala391= (NM_001322011.2, NM_001322012.2); c.1533C>T, p.Ala511= (NM_001322013.2); c.2106C>T, p.Ala702= (NM_001322014.2); c.1797C>T, p.Ala599= (NM_001322015.2).
Identifiers: ClinVar variation 185559 (VCV000185559.19), dbSNP rs786202273, ClinGen allele CA010818.

ClinVar aggregate classification (germline): Benign/Likely benign. Review status: criteria provided, multiple submitters, no conflicts (2 of 4 stars). 6 submissions from 6 submitters: Benign (1); Likely benign (5). Last evaluated 2026-01-19.

Conditions:
Hereditary nonpolyposis colorectal neoplasms. Identifiers: MedGen C0009405, MeSH D003123.
Hereditary cancer-predisposing syndrome. Also called: Hereditary neoplastic syndrome; Neoplastic Syndromes, Hereditary; Tumor predisposition; Hereditary Cancer Syndrome. Identifiers: Orphanet 140162, MedGen C0027672, MeSH D009386, MONDO:0015356.
Lynch syndrome 4 (LYNCH4). Also called: Hereditary non-polyposis colorectal cancer, type 4; Colorectal cancer, hereditary nonpolyposis, type 4. Identifiers: Orphanet 144, MedGen C1838333, MONDO:0013699, OMIM 614337. Disease mechanism: loss of function.

Allele frequency attached by ClinVar (database versions not stated): TOPMed below 0.00001; gnomAD 0.00001.

Submissions (6):

Labcorp Genetics (formerly Invitae), Labcorp
Classification: Likely benign for Hereditary nonpolyposis colorectal neoplasms. Last evaluated: 2026-01-19. Review status: criteria provided, single submitter. Criteria: Invitae Variant Classification Sherloc (09022015). Collection method: clinical testing. Allele origin: germline.

Color Diagnostics, LLC DBA Color Health
Classification: Likely benign for Hereditary cancer-predisposing syndrome. Last evaluated: 2025-02-10. Review status: criteria provided, single submitter. Criteria: ACMG Guidelines, 2015. Collection method: clinical testing. Allele origin: germline.

Myriad Genetics, Inc.
Classification: Benign for Lynch syndrome 4. Last evaluated: 2025-02-03. Review status: criteria provided, single submitter. Criteria: Myriad Autosomal Dominant, Autosomal Recessive and X-Linked Classification Criteria (2023). Collection method: clinical testing. Allele origin: unknown.
Comment: This variant is considered benign. This variant is a silent/synonymous amino acid change and it is not expected to impact splicing.

Women's Health and Genetics/Laboratory Corporation of America, LabCorp
Classification: Likely benign. Last evaluated: 2024-09-16. Review status: criteria provided, single submitter. Criteria: LabCorp Variant Classification Summary - May 2015. Collection method: clinical testing. Allele origin: germline.

GeneDx
Classification: Likely benign. Last evaluated: 2017-02-13. Review status: criteria provided, single submitter. Criteria: GeneDx Variant Classification (06012015). Collection method: clinical testing. Allele origin: germline. Affected: yes.
Comment: This variant is considered likely benign or benign based on one or more of the following criteria: it is a conservative change, it occurs at a poorly conserved position in the protein, it is predicted to be benign by multiple in silico algorithms, and/or has population frequency not consistent with disease.

Ambry Genetics
Classification: Likely benign for Hereditary cancer-predisposing syndrome. Last evaluated: 2014-06-18. Review status: criteria provided, single submitter. Criteria: Ambry Variant Classification Scheme 2023. Collection method: clinical testing. Allele origin: germline.